The following is an entry in ClinVar:

NM_000071.3(CBS):c.1156del (p.Phe385_Leu386insTer)

Gene: CBS (cystathionine beta-synthase; minus strand). Cytogenetic location: 21q22.3.
Variant type: Deletion.
Coding change: c.1156del on transcript NM_000071.3 (MANE Select); coding-DNA position 1156, one base deleted (C; older notation c.1156delC).
Protein change: p.Phe385_Leu386insTer.
Molecular consequence: nonsense. On other transcripts: frameshift variant (1).
Genome position (GRCh38, 1-based): chr21:43,059,293, G deleted on the plus strand (C on the coding strand, the reverse complement: CBS is on the minus strand); the first of 2 consecutive G bases (chr21:43,059,293-43,059,294); deleting either gives the same sequence. VCF-style (leftmost placement, unchanged base first): chr21-43059292-AG-A. GRCh37 (hg19) VCF-style: chr21-44479402-AG-A.
Other names: c.1155delC, p.Leu386Terfs (NM_000071.2); c.1156del, p.Phe385_Leu386insTer (NM_001178008.3, NM_001178009.3, NM_001320298.2); c.841del, p.Phe280_Leu281insTer (NM_001321072.1).
Identifiers: ClinVar variation 4816475 (VCV004816475.1).

ClinVar aggregate classification (germline): Likely pathogenic (1 of 4 stars; one submission).

Conditions:
Classic homocystinuria. Also called: HOMOCYSTINURIA WITH OR WITHOUT RESPONSE TO PYRIDOXINE; Homocystinuria due to CBS deficiency; Cystathionine beta-synthase deficiency; CBS deficiency; Homocystinuria due to Cystathionine Beta-Synthase Deficiency. Identifiers: Orphanet 394, MedGen C0751202, MONDO:0009352, OMIM 236200.

Submission:

Natera, Inc.
Classification: Likely pathogenic for Homocystinuria due to cystathionine beta-synthase deficiency. Last evaluated: 2024-08-20. Review status: criteria provided, single submitter. Criteria: Natera Variant Classification Schema (03/2026). Collection method: clinical testing. Allele origin: germline.
Comment: The c.1156del variant in CBS is a frameshift variant predicted to shift the reading frame and introduce a stop codon. This variant is expected to result in nonsense mediated decay, truncation, or a dysfunctional protein product. This variant is rare in the general population with a frequency below the threshold expected for the associated phenotype(s). Given the available evidence, this variant is classified as Likely Pathogenic.